The following is an entry in ClinVar:

ClinVar aggregate classification (germline): Uncertain significance. Review status: criteria provided, multiple submitters, no conflicts (2 of 4 stars). 2 submissions from 2 submitters: Uncertain significance (2). Last evaluated 2024-10-28.

Conditions:
Retinoblastoma (RB1). Also called: RETINOBLASTOMA, SOMATIC. Identifiers: Orphanet 790, MedGen C0035335, MeSH D012175, MONDO:0008380, OMIM 180200, HP:0009919. Disease mechanism: loss of function. Inheritance: Both sporadic and heritable forms are tested..
Hereditary cancer-predisposing syndrome. Also called: Hereditary Cancer Syndrome; Hereditary neoplastic syndrome; Tumor predisposition; Neoplastic Syndromes, Hereditary. Identifiers: Orphanet 140162, MedGen C0027672, MeSH D009386, MONDO:0015356.

Submissions (2):

Ambry Genetics
Classification: Uncertain significance for Hereditary cancer-predisposing syndrome. Last evaluated: 2024-10-28. Review status: criteria provided, single submitter. Criteria: Ambry Variant Classification Scheme 2023. Collection method: clinical testing. Allele origin: germline.
Comment: The p.V754A variant (also known as c.2261T>C), located in coding exon 22 of the RB1 gene, results from a T to C substitution at nucleotide position 2261. The valine at codon 754 is replaced by alanine, an amino acid with similar properties. This amino acid position is conserved. In addition, the in silico prediction for this alteration is inconclusive. Based on the available evidence, the clinical significance of this variant remains unclear.

Labcorp Genetics (formerly Invitae), Labcorp
Classification: Uncertain significance for Retinoblastoma. Last evaluated: 2023-03-31. Review status: criteria provided, single submitter. Criteria: Invitae Variant Classification Sherloc (09022015). Collection method: clinical testing. Allele origin: germline.
Comment: In summary, the available evidence is currently insufficient to determine the role of this variant in disease. Therefore, it has been classified as a Variant of Uncertain Significance. Advanced modeling of protein sequence and biophysical properties (such as structural, functional, and spatial information, amino acid conservation, physicochemical variation, residue mobility, and thermodynamic stability) performed at Invitae indicates that this missense variant is not expected to disrupt RB1 protein function. This variant has not been reported in the literature in individuals affected with RB1-related conditions. This variant is not present in population databases (gnomAD no frequency). This sequence change replaces valine, which is neutral and non-polar, with alanine, which is neutral and non-polar, at codon 754 of the RB1 protein (p.Val754Ala).

NM_000321.3(RB1):c.2261T>C (p.Val754Ala)

Gene: RB1 (RB transcriptional corepressor 1; plus strand). Cytogenetic location: 13q14.2.
Variant type: single nucleotide variant.
Coding change: c.2261T>C on transcript NM_000321.3 (MANE Select); coding-DNA position 2261, T replaced by C.
Protein change: p.Val754Ala; replaces valine 754 with alanine.
Molecular consequence: missense variant.
Genome position (GRCh38, 1-based): chr13:48,465,047, T>C. VCF-style: chr13-48465047-T-C. GRCh37 (hg19) VCF-style: chr13-49039183-T-C.
Other names: c.2261T>C, p.Val754Ala (NM_001407165.1); short protein forms V754A.
Identifiers: ClinVar variation 2880453 (VCV002880453.4), dbSNP rs2138344743, ClinGen allele CA388167590.